The following is an entry in ClinVar:

NM_017433.5(MYO3A):c.4075G>A (p.Gly1359Ser)

Gene: MYO3A (myosin IIIA; plus strand). Cytogenetic location: 10p12.1.
Variant type: single nucleotide variant.
Coding change: c.4075G>A on transcript NM_017433.5 (MANE Select); coding-DNA position 4075, G replaced by A.
Protein change: p.Gly1359Ser; replaces glycine 1359 with serine.
Molecular consequence: missense variant.
Genome position (GRCh38, 1-based): chr10:26,174,339, G>A. VCF-style: chr10-26174339-G-A. GRCh37 (hg19) VCF-style: chr10-26463268-G-A.
Other names: short protein forms G1359S.
Identifiers: ClinVar variation 2797282 (VCV002797282.3), dbSNP rs1251051421, ClinGen allele CA376340656.
Genomic context (GRCh38, chr10:26,174,339, plus strand): 5'-GTGACACAGGCCCAGGAGGAAGAAGATAAAGCAGCGGTATTCATTCAGAGCAAATACCGG[G>A]GTTACAAGAGAAGGCAGCAGTTGAGGAAGGACAAGATGTCTTCTTTTAAGCATCAGAGGA-3'
Protein context (NP_059129.3, residues 1349-1369): AAVFIQSKYR[Gly1359Ser]YKRRQQLRKD

ClinVar aggregate classification (germline): Uncertain significance (1 of 4 stars; one submission).

Submission:

Labcorp Genetics (formerly Invitae), Labcorp
Classification: Uncertain significance. Last evaluated: 2025-04-30. Review status: criteria provided, single submitter. Criteria: Invitae Variant Classification Sherloc (09022015). Collection method: clinical testing. Allele origin: germline.
Comment: This sequence change replaces glycine, which is neutral and non-polar, with serine, which is neutral and polar, at codon 1359 of the MYO3A protein (p.Gly1359Ser). This variant is not present in population databases (gnomAD no frequency). This variant has not been reported in the literature in individuals affected with MYO3A-related conditions. ClinVar contains an entry for this variant (Variation ID: 2797282). Invitae Evidence Modeling of protein sequence and biophysical properties (such as structural, functional, and spatial information, amino acid conservation, physicochemical variation, residue mobility, and thermodynamic stability) indicates that this missense variant is not expected to disrupt MYO3A protein function with a negative predictive value of 80%. In summary, the available evidence is currently insufficient to determine the role of this variant in disease. Therefore, it has been classified as a Variant of Uncertain Significance.